The following is an entry in ClinVar:

ClinVar aggregate classification (germline): Pathogenic (1 of 4 stars; one submission).

Conditions:
KBG syndrome (KBGS). Also called: ANKRD11-Related KBG Syndrome. Identifiers: Orphanet 2332, MedGen C0220687, MONDO:0007846, OMIM 148050.

Submission:

Labcorp Genetics (formerly Invitae), Labcorp
Classification: Pathogenic for KBG syndrome. Last evaluated: 2019-12-29. Review status: criteria provided, single submitter. Criteria: Invitae Variant Classification Sherloc (09022015). Collection method: clinical testing. Allele origin: germline.
Comment: This sequence change creates a premature translational stop signal (p.Gln1313*) in the ANKRD11 gene. It is expected to result in an absent or disrupted protein product. This variant is not present in population databases (ExAC no frequency). This variant has not been reported in the literature in individuals with ANKRD11-related conditions. Loss-of-function variants in ANKRD11 are known to be pathogenic (PMID: 21782149, 25125236, 25413698, 25652421). For these reasons, this variant has been classified as Pathogenic.

NM_013275.6(ANKRD11):c.3933_3945del (p.Gly1312_Gln1313insTer)

Gene: ANKRD11 (ankyrin repeat domain 11; minus strand). Cytogenetic location: 16q24.3.
Variant type: Deletion.
Coding change: c.3933_3945del on transcript NM_013275.6 (MANE Select); coding-DNA positions 3933 to 3945, 13 bases deleted (AGGGCAGGAGCCG).
Protein change: p.Gly1312_Gln1313insTer.
Molecular consequence: frameshift variant.
Genome position (GRCh38, 1-based): chr16:89,282,597-89,282,609, CGGCTCCTGCCCT deleted on the plus strand (AGGGCAGGAGCCG on the coding strand, the reverse complement: ANKRD11 is on the minus strand); deleting any 13 consecutive bases within chr16:89,282,597-89,282,612 gives the same sequence; the c. name uses the placement nearest the transcript's 3' end. VCF-style (leftmost placement, unchanged base first): chr16-89282596-CCGGCTCCTGCCCT-C. GRCh37 (hg19) VCF-style: chr16-89349004-CCGGCTCCTGCCCT-C.
Other names: c.3933_3945del, p.Gly1312_Gln1313insTer (NM_001256182.2, NM_001256183.2).
Identifiers: ClinVar variation 857946 (VCV000857946.1), dbSNP rs2034351295, ClinGen allele CA916083511.
Genomic context (GRCh38, chr16:89,282,596, plus strand): 5'-CCCTCGGCTTGTCGTCTCCAGGTGGCTCCGTGAAAGAGACCTCCAGGAAGGCAGTCAGCC[CCGGCTCCTGCCCT>C]CGGTCCGTGAAGCTGTCAGAGGAGACCTCGCTGATTTTATCGTTGGAGTCTTCTCTGTAC-3'